The following is an entry in ClinVar:

ClinVar aggregate classification (germline): Conflicting classifications of pathogenicity. Review status: criteria provided, conflicting classifications (1 of 4 stars). 2 submissions from 2 submitters: Uncertain significance (1); Likely benign (1). Last evaluated 2026-08-05.

Conditions:
TNC-related disorder. Also called: TNC-related condition.

Allele frequency attached by ClinVar (database versions not stated): TOPMed 0.00005; gnomAD 0.00007; ExAC 0.00013; 1000 Genomes Project 0.00040; 1000 Genomes Project 30x 0.00062.
gnomAD v4.1: 141 of 1,614,114 alleles (0.0087%); highest among the groups gnomAD compares: South Asian, 0.099%; 1 homozygote.

Submissions (2):

PreventionGenetics, part of Exact Sciences
Classification: Likely benign for TNC-related condition. Last evaluated: 2026-08-05. Review status: criteria provided, single submitter. Criteria: ACMG Guidelines, 2015. Collection method: clinical testing. Allele origin: germline.
Comment: This variant is classified as likely benign based on ACMG/AMP sequence variant interpretation guidelines (Richards et al. 2015 PMID: 25741868, with internal and published modifications).

Ambry Genetics
Classification: Uncertain significance. Last evaluated: 2022-10-26. Review status: criteria provided, single submitter. Criteria: Ambry Variant Classification Scheme 2023. Collection method: clinical testing. Allele origin: germline.

NM_002160.4(TNC):c.2537G>A (p.Arg846His)

Gene: TNC (tenascin C; minus strand). Cytogenetic location: 9q33.1.
Variant type: single nucleotide variant.
Coding change: c.2537G>A on transcript NM_002160.4 (MANE Select); coding-DNA position 2537, G replaced by A.
Protein change: p.Arg846His; replaces arginine 846 with histidine.
Molecular consequence: missense variant.
Genome position (GRCh38, 1-based): chr9:115,078,080, C>T on the plus strand (G>A on the coding strand, the complement: TNC is on the minus strand). VCF-style: chr9-115078080-C-T. GRCh37 (hg19) VCF-style: chr9-117840359-C-T.
Other names: c.2537G>A, p.Arg846His (NM_001410991.1); short protein forms R846H.
Identifiers: ClinVar variation 2344178 (VCV002344178.3), dbSNP rs201633665, ClinGen allele CA5208501.